The following is an entry in ClinVar:

NM_144670.6(A2ML1):c.2752C>A (p.Leu918Met)

Gene: A2ML1 (alpha-2-macroglobulin like 1; plus strand). Cytogenetic location: 12p13.31.
Variant type: single nucleotide variant.
Coding change: c.2752C>A on transcript NM_144670.6 (MANE Select); coding-DNA position 2752, C replaced by A.
Protein change: p.Leu918Met; replaces leucine 918 with methionine.
Molecular consequence: missense variant.
Genome position (GRCh38, 1-based): chr12:8,854,819, C>A. VCF-style: chr12-8854819-C-A. GRCh37 (hg19) VCF-style: chr12-9007415-C-A.
Other names: c.1279C>A, p.Leu427Met (NM_001282424.3); short protein forms L427M, L918M.
Identifiers: ClinVar variation 992212 (VCV000992212.7), dbSNP rs1944005605, ClinGen allele CA383835260.
Genomic context (GRCh38, chr12:8,854,819, plus strand): 5'-CTGTGTCTCTCTTCATCGCAGCCTGAGGGAGTCCTGGTGGAGAAGACACACAGCTCATTG[C>A]TGTGCCCAAAAGGTGGGTGGACTCAGAGCAGGATTGGTGGTGAGAATTCCCTTAGAGGGC-3'
Protein context (NP_653271.3, residues 908-928): VLVEKTHSSL[Leu918Met]CPKGKVASES

ClinVar aggregate classification (germline): Uncertain significance. Review status: criteria provided, multiple submitters, no conflicts (2 of 4 stars). 2 submissions from 2 submitters: Uncertain significance (2). Last evaluated 2025-08-15.

Allele frequency attached by ClinVar (database versions not stated): gnomAD exomes below 0.00001.
gnomAD v4.1: 1 of 1,613,920 alleles (0.000062%); highest among the groups gnomAD compares: Admixed American, 0.0017%; no homozygotes.

Submissions (2):

Labcorp Genetics (formerly Invitae), Labcorp
Classification: Uncertain significance. Last evaluated: 2025-08-15. Review status: criteria provided, single submitter. Criteria: Invitae Variant Classification Sherloc (09022015). Collection method: clinical testing. Allele origin: germline.
Comment: This sequence change replaces leucine, which is neutral and non-polar, with methionine, which is neutral and non-polar, at codon 918 of the A2ML1 protein (p.Leu918Met). This variant is not present in population databases (gnomAD no frequency). This variant has not been reported in the literature in individuals affected with A2ML1-related conditions. ClinVar contains an entry for this variant (Variation ID: 992212). An algorithm developed to predict the effect of missense changes on protein structure and function (PolyPhen-2) suggests that this variant is likely to be disruptive. In summary, the available evidence is currently insufficient to determine the role of this variant in disease. Therefore, it has been classified as a Variant of Uncertain Significance.

Women's Health and Genetics/Laboratory Corporation of America, LabCorp
Classification: Uncertain significance. Last evaluated: 2020-12-14. Review status: criteria provided, single submitter. Criteria: LabCorp Variant Classification Summary - May 2015. Collection method: clinical testing. Allele origin: germline.
Comment: Variant summary: A2ML1 c.2752C>A (p.Leu918Met) results in a conservative amino acid change in the encoded protein sequence. Three of five in-silico tools predict a benign effect of the variant on protein function. The variant was absent in 249422 control chromosomes. The available data on variant occurrences in the general population are insufficient to allow any conclusion about variant significance. To our knowledge, no occurrence of c.2752C>A in individuals affected with Noonan Syndrome and no experimental evidence demonstrating its impact on protein function have been reported. No clinical diagnostic laboratories have submitted clinical-significance assessments for this variant to ClinVar after 2014. Based on the evidence outlined above, the variant was classified as uncertain significance.